The following is an entry in ClinVar:

NM_001267550.2(TTN):c.31595-9C>G

Gene: TTN (titin; minus strand). Cytogenetic location: 2q31.2.
Variant type: single nucleotide variant.
Coding change: c.31595-9C>G on transcript NM_001267550.2 (MANE Select); 9 bases into the intron before coding-DNA position 31595, C replaced by G.
Molecular consequence: intron variant.
Genome position (GRCh38, 1-based): chr2:178,692,589, G>C on the plus strand (C>G on the coding strand, the complement: TTN is on the minus strand). VCF-style: chr2-178692589-G-C. GRCh37 (hg19) VCF-style: chr2-179557316-G-C.
Other names: c.13282+45493C>G (NM_003319.4); c.13858+45493C>G (NM_133437.4); c.13657+45493C>G (NM_133432.3); c.27863-9C>G (NM_133378.4); c.30644-9C>G (NM_001256850.1).
Identifiers: ClinVar variation 681070 (VCV000681070.1), dbSNP rs781314591, ClinGen allele CA1998898.

ClinVar aggregate classification (germline): Likely benign (1 of 4 stars; one submission).

Allele frequency attached by ClinVar (database versions not stated): ExAC below 0.00001; gnomAD 0.00001 and 0.00003; gnomAD exomes 0.00001 and 0.00003; TOPMed 0.00001.
gnomAD v4.1: 19 of 1,514,934 alleles (0.0013%); highest among the groups gnomAD compares: East Asian, 0.04%; no homozygotes.

Submission:

GeneDx
Classification: Likely benign. Last evaluated: 2018-03-16. Review status: criteria provided, single submitter. Criteria: GeneDx Variant Classification (06012015). Collection method: clinical testing. Allele origin: germline. Affected: yes.
Comment: This variant is considered likely benign or benign based on one or more of the following criteria: it is a conservative change, it occurs at a poorly conserved position in the protein, it is predicted to be benign by multiple in silico algorithms, and/or has population frequency not consistent with disease.